The following is an entry in ClinVar:

NM_001256317.3(TMPRSS3):c.1333G>A (p.Glu445Lys)

Gene: TMPRSS3 (transmembrane serine protease 3; minus strand). Cytogenetic location: 21q22.3.
Variant type: single nucleotide variant.
Coding change: c.1333G>A on transcript NM_001256317.3 (MANE Select); coding-DNA position 1333, G replaced by A.
Protein change: p.Glu445Lys; replaces glutamic acid 445 with lysine.
Molecular consequence: missense variant.
Genome position (GRCh38, 1-based): chr21:42,375,727, C>T on the plus strand (G>A on the coding strand, the complement: TMPRSS3 is on the minus strand). VCF-style: chr21-42375727-C-T. GRCh37 (hg19) VCF-style: chr21-43795836-C-T.
Other names: c.1336G>A, p.Glu446Lys (NM_024022.4); c.955G>A, p.Glu319Lys (NM_032404.3); short protein forms E319K, E445K, E446K.
Identifiers: ClinVar variation 2631680 (VCV002631680.6), dbSNP rs777595673, ClinGen allele CA10042250.
Genomic context (GRCh38, chr21:42,375,727, plus strand): 5'-AGGGTCAAAAGCCAGGGACAACGTGAGCTGGGGAGGGCGCCGCACCCACCTCCATCTGCT[C>T]GTGGATCCAGTCCAGGAAGGAGGTGACACGGGTGTACACCCCAGGCTTGTTCACCTCTGC-3'
Protein context (NP_001243246.1, residues 435-453): RVTSFLDWIH[Glu445Lys]QMERDLKT

ClinVar aggregate classification (germline): Conflicting classifications of pathogenicity. Review status: criteria provided, conflicting classifications (1 of 4 stars). 3 submissions from 3 submitters: Likely pathogenic (1); Uncertain significance (2). Last evaluated 2026-01-26.

Conditions:
TMPRSS3-related disorder. Also called: TMPRSS3-related condition.

Allele frequency attached by ClinVar (database versions not stated): gnomAD 0.00001; TOPMed 0.00001.
gnomAD v4.1: 8 of 1,613,668 alleles (0.0005%); highest among the groups gnomAD compares: African/African-American, 0.0027%; no homozygotes.

Submissions (3):

Labcorp Genetics (formerly Invitae), Labcorp
Classification: Likely pathogenic. Last evaluated: 2026-01-26. Review status: criteria provided, single submitter. Criteria: Invitae Variant Classification Sherloc (09022015). Collection method: clinical testing. Allele origin: germline.
Comment: This sequence change replaces glutamic acid, which is acidic and polar, with lysine, which is basic and polar, at codon 446 of the TMPRSS3 protein (p.Glu446Lys). This variant is present in population databases (rs777595673, gnomAD 0.004%). This missense change has been observed in individuals with autosomal recessive nonsyndromic deafness (PMID: 22382023). ClinVar contains an entry for this variant (Variation ID: 2631680). Invitae Evidence Modeling of protein sequence and biophysical properties (such as structural, functional, and spatial information, amino acid conservation, physicochemical variation, residue mobility, and thermodynamic stability) indicates that this missense variant is not expected to disrupt TMPRSS3 protein function with a negative predictive value of 95%. In summary, the currently available evidence indicates that the variant is pathogenic, but additional data are needed to prove that conclusively. Therefore, this variant has been classified as Likely Pathogenic.

Women's Health and Genetics/Laboratory Corporation of America, LabCorp
Classification: Uncertain significance. Last evaluated: 2025-06-16. Review status: criteria provided, single submitter. Criteria: LabCorp Variant Classification Summary - May 2015. Collection method: clinical testing. Allele origin: germline.
Comment: Variant summary: TMPRSS3 c.1336G>A (p.Glu446Lys) results in a conservative amino acid change located in the Trypsin-like serine protease (IPR001254) of the encoded protein sequence. Algorithms developed to predict the effect of missense changes on protein structure and function all suggest that this variant is likely to be tolerated. The variant allele was found at a frequency of 8e-06 in 251376 control chromosomes. The available data on variant occurrences in the general population are insufficient to allow any conclusion about variant significance. c.1336G>A has been observed as a single compound heterozygous genotype in multiple families from Morocco with individuals affected with autosomal recessive nonsyndromic hearing impairment, however it was found in a setting of limited gene-panel testing, where evidence of segregation was not reported and the pathogenicity of the second reported variant is currently unknown (Charif_2012). Therefore, this report does not provide unequivocal conclusions about association of the variant with autosomal recessive deafness. To our knowledge, no experimental evidence demonstrating an impact on protein function has been reported. The following publication has been ascertained in the context of this evaluation (PMID: 22382023). ClinVar contains an entry for this variant (Variation ID: 2631680). Based on the evidence outlined above, the variant was classified as uncertain significance.

PreventionGenetics, part of Exact Sciences
Classification: Uncertain significance for TMPRSS3-related condition. Last evaluated: 2023-08-03. Review status: criteria provided, single submitter. Criteria: ACMG Guidelines, 2015. Collection method: clinical testing. Allele origin: germline.
Comment: The TMPRSS3 c.1336G>A variant is predicted to result in the amino acid substitution p.Glu446Lys. This variant was reported in an individual with non-syndromic hearing loss (Charif. 2012. PubMed ID: 22382023). This variant is reported in 0.0040% of alleles in individuals of African descent in gnomAD. At this time, the clinical significance of this variant is uncertain due to the absence of conclusive functional and genetic evidence.

Literature cited by the submitters: PubMed 22382023 (cited by Labcorp Genetics (formerly Invitae), Labcorp and Women's Health and Genetics/Laboratory Corporation of America, LabCorp).